The following is an entry in ClinVar:

ClinVar aggregate classification (germline): Uncertain significance. Review status: criteria provided, multiple submitters, no conflicts (2 of 4 stars). 2 submissions from 2 submitters: Uncertain significance (2). Last evaluated 2022-05-29.

Conditions:
Microcephaly, normal intelligence and immunodeficiency (NBS). Also called: IMMUNODEFICIENCY, MICROCEPHALY, AND CHROMOSOMAL INSTABILITY; Ataxia telangiectasia variant V1; SEEMANOVA SYNDROME II; BERLIN BREAKAGE SYNDROME; Nijmegen breakage syndrome; Microcephaly with normal intelligence immunodeficiency and lymphoreticular malignancies. Identifiers: Orphanet 647, MedGen C0398791, MONDO:0009623, OMIM 251260.
Hereditary cancer-predisposing syndrome. Also called: Hereditary neoplastic syndrome; Tumor predisposition; Neoplastic Syndromes, Hereditary; Hereditary Cancer Syndrome. Identifiers: Orphanet 140162, MedGen C0027672, MeSH D009386, MONDO:0015356.

Allele frequency attached by ClinVar (database versions not stated): gnomAD exomes below 0.00001; TOPMed 0.00001.
gnomAD v4.1: 2 of 1,613,754 alleles (0.00012%); highest among the groups gnomAD compares: Non-Finnish European, 0.00017%; no homozygotes.

Submissions (2):

Ambry Genetics
Classification: Uncertain significance for Hereditary cancer-predisposing syndrome. Last evaluated: 2022-05-29. Review status: criteria provided, single submitter. Criteria: Ambry Variant Classification Scheme 2023. Collection method: clinical testing. Allele origin: germline.
Comment: The p.T452I variant (also known as c.1355C>T), located in coding exon 10 of the NBN gene, results from a C to T substitution at nucleotide position 1355. The threonine at codon 452 is replaced by isoleucine, an amino acid with similar properties. This amino acid position is conserved. In addition, this alteration is predicted to be tolerated by in silico analysis. Since supporting evidence is limited at this time, the clinical significance of this alteration remains unclear.

Labcorp Genetics (formerly Invitae), Labcorp
Classification: Uncertain significance for Microcephaly, normal intelligence and immunodeficiency. Last evaluated: 2021-09-01. Review status: criteria provided, single submitter. Criteria: Invitae Variant Classification Sherloc (09022015). Collection method: clinical testing. Allele origin: germline.
Comment: This sequence change replaces threonine with isoleucine at codon 452 of the NBN protein (p.Thr452Ile). The threonine residue is weakly conserved and there is a moderate physicochemical difference between threonine and isoleucine. This variant is not present in population databases (ExAC no frequency). This variant has not been reported in the literature in individuals affected with NBN-related conditions. Algorithms developed to predict the effect of missense changes on protein structure and function (SIFT, PolyPhen-2, Align-GVGD) all suggest that this variant is likely to be tolerated. In summary, the available evidence is currently insufficient to determine the role of this variant in disease. Therefore, it has been classified as a Variant of Uncertain Significance.

NM_002485.5(NBN):c.1355C>T (p.Thr452Ile)

Gene: NBN (nibrin; minus strand). Cytogenetic location: 8q21.3.
Variant type: single nucleotide variant.
Coding change: c.1355C>T on transcript NM_002485.5 (MANE Select); coding-DNA position 1355, C replaced by T.
Protein change: p.Thr452Ile; replaces threonine 452 with isoleucine.
Molecular consequence: missense variant.
Genome position (GRCh38, 1-based): chr8:89,955,325, G>A on the plus strand (C>T on the coding strand, the complement: NBN is on the minus strand). VCF-style: chr8-89955325-G-A. GRCh37 (hg19) VCF-style: chr8-90967553-G-A.
Other names: c.1109C>T, p.Thr370Ile (NM_001024688.3); short protein forms T370I, T452I.
Identifiers: ClinVar variation 955598 (VCV000955598.9), dbSNP rs1810650900, ClinGen allele CA371656040.